The following is an entry in ClinVar:

NM_001276270.2(MBD4):c.462A>T (p.Arg154Ser)

Gene: MBD4 (methyl-CpG binding domain 4, DNA glycosylase; minus strand). Cytogenetic location: 3q21.3.
Variant type: single nucleotide variant.
Coding change: c.462A>T on transcript NM_001276270.2 (MANE Select); coding-DNA position 462, A replaced by T.
Protein change: p.Arg154Ser; replaces arginine 154 with serine.
Molecular consequence: missense variant. On other transcripts: intron variant (1).
Genome position (GRCh38, 1-based): chr3:129,437,182, T>A on the plus strand (A>T on the coding strand, the complement: MBD4 is on the minus strand). VCF-style: chr3-129437182-T-A. GRCh37 (hg19) VCF-style: chr3-129156025-T-A.
Other names: c.462A>T, p.Arg154Ser (NM_001276271.2, NM_001276272.2, NM_003925.3); c.247+626A>T (NM_001276273.2); short protein forms R154S.
Identifiers: ClinVar variation 4770424 (VCV004770424.2).

ClinVar aggregate classification (germline): Uncertain significance. Review status: criteria provided, multiple submitters, no conflicts (2 of 4 stars). 2 submissions from 2 submitters: Uncertain significance (2). Last evaluated 2026-08-11.

Conditions:
Inborn genetic diseases. Identifiers: MedGen C0950123, MeSH D030342.

Submissions (2):

Ambry Genetics
Classification: Uncertain significance for Inborn genetic diseases. Last evaluated: 2026-08-11. Review status: criteria provided, single submitter. Criteria: Ambry Variant Classification Scheme 2023. Collection method: clinical testing. Allele origin: germline.
Comment: The p.R154S variant (also known as c.462A>T), located in coding exon 3 of the MBD4 gene, results from an A to T substitution at nucleotide position 462. The arginine at codon 154 is replaced by serine, an amino acid with dissimilar properties. This amino acid position is conserved. In addition, this alteration is predicted to be tolerated by in silico analysis. Based on the available evidence, the clinical significance of this variant remains unclear.

Labcorp Genetics (formerly Invitae), Labcorp
Classification: Uncertain significance. Last evaluated: 2025-08-20. Review status: criteria provided, single submitter. Criteria: Invitae Variant Classification Sherloc (09022015). Collection method: clinical testing. Allele origin: germline.
Comment: This sequence change replaces arginine, which is basic and polar, with serine, which is neutral and polar, at codon 154 of the MBD4 protein (p.Arg154Ser). This variant is not present in population databases (gnomAD no frequency). This variant has not been reported in the literature in individuals affected with MBD4-related conditions. An algorithm developed to predict the effect of missense changes on protein structure and function (PolyPhen-2) suggests that this variant is likely to be tolerated. In summary, the available evidence is currently insufficient to determine the role of this variant in disease. Therefore, it has been classified as a Variant of Uncertain Significance.